The following is an entry in ClinVar:

ClinVar aggregate classification (germline): Uncertain significance (1 of 4 stars; one submission).

gnomAD v4.1: 1 of 1,613,994 alleles (0.000062%); highest among the groups gnomAD compares: Non-Finnish European, 0.000085%; no homozygotes.

Submission:

GeneDx
Classification: Uncertain significance. Last evaluated: 2024-11-09. Review status: criteria provided, single submitter. Criteria: GeneDx Variant Classification Process June 2021. Collection method: clinical testing. Allele origin: germline. Affected: yes.
Comment: Not observed at significant frequency in large population cohorts (gnomAD); In silico analysis indicates that this missense variant does not alter protein structure/function; Has not been previously published as pathogenic or benign to our knowledge

NM_001365999.1(SZT2):c.6172A>C (p.Met2058Leu)

Gene: SZT2 (SZT2 subunit of KICSTOR complex; plus strand). Cytogenetic location: 1p34.2.
Variant type: single nucleotide variant.
Coding change: c.6172A>C on transcript NM_001365999.1 (MANE Select); coding-DNA position 6172, A replaced by C.
Protein change: p.Met2058Leu; replaces methionine 2058 with leucine.
Molecular consequence: missense variant.
Genome position (GRCh38, 1-based): chr1:43,437,308, A>C. VCF-style: chr1-43437308-A-C. GRCh37 (hg19) VCF-style: chr1-43902979-A-C.
Other names: c.6001A>C, p.Met2001Leu (NM_015284.4); short protein forms M2001L, M2058L.
Identifiers: ClinVar variation 3899111 (VCV003899111.1).